The following is an entry in ClinVar:

NM_000038.6(APC):c.7222A>G (p.Asn2408Asp)

Gene: APC (APC regulator of Wnt signaling pathway; plus strand). Cytogenetic location: 5q22.2.
Variant type: single nucleotide variant.
Coding change: c.7222A>G on transcript NM_000038.6 (MANE Select); coding-DNA position 7222, A replaced by G.
Protein change: p.Asn2408Asp; replaces asparagine 2408 with aspartic acid.
Molecular consequence: missense variant. On other transcripts: non-coding transcript variant (2).
Genome position (GRCh38, 1-based): chr5:112,842,816, A>G. VCF-style: chr5-112842816-A-G. GRCh37 (hg19) VCF-style: chr5-112178513-A-G.
Other names: c.7222A>G, p.Asn2408Asp (NM_001127510.3, NM_001354895.2, NM_001407450.1); c.7168A>G, p.Asn2390Asp (NM_001127511.3); c.7276A>G, p.Asn2426Asp (NM_001354896.2, NM_001407447.1, NM_001407448.1 and 1 more transcripts); c.7252A>G, p.Asn2418Asp (NM_001354897.2); c.7201A>G, p.Asn2401Asp (NM_001407451.1); c.7192A>G, p.Asn2398Asp (NM_001407452.1); c.7045A>G, p.Asn2349Asp (NM_001407453.1, NM_001354901.2); c.6973A>G, p.Asn2325Asp (NM_001407454.1, NM_001407455.1, NM_001407456.1 and 1 more transcripts); and 11 more; short protein forms N2383D, N2390D, N2398D, N2426D, N2279D, N2282D, N2317D, N2325D.
Identifiers: ClinVar variation 3304911 (VCV003304911.1).

ClinVar aggregate classification (germline): Uncertain significance (1 of 4 stars; one submission).

Conditions:
Hereditary cancer-predisposing syndrome. Also called: Tumor predisposition; Hereditary Cancer Syndrome; Hereditary neoplastic syndrome; Neoplastic Syndromes, Hereditary. Identifiers: Orphanet 140162, MedGen C0027672, MeSH D009386, MONDO:0015356.

Submission:

Ambry Genetics
Classification: Uncertain significance for Hereditary cancer-predisposing syndrome. Last evaluated: 2024-04-20. Review status: criteria provided, single submitter. Criteria: Ambry Variant Classification Scheme 2023. Collection method: clinical testing. Allele origin: germline.
Comment: The p.N2408D variant (also known as c.7222A>G), located in coding exon 15 of the APC gene, results from an A to G substitution at nucleotide position 7222. The asparagine at codon 2408 is replaced by aspartic acid, an amino acid with highly similar properties. This amino acid position is conserved. In addition, in silico predictors for this gene do not accurately predict pathogenicity. Based on the available evidence, the clinical significance of this variant remains unclear.